The following is an entry in ClinVar:

ClinVar aggregate classification (germline): Conflicting classifications of pathogenicity. Review status: criteria provided, conflicting classifications (1 of 4 stars). 6 submissions from 6 submitters: Uncertain significance (5); Likely benign (1). Last evaluated 2026-08-31.

Conditions:
Hereditary cancer-predisposing syndrome. Also called: Neoplastic Syndromes, Hereditary; Tumor predisposition; Hereditary Cancer Syndrome; Hereditary neoplastic syndrome. Identifiers: Orphanet 140162, MedGen C0027672, MeSH D009386, MONDO:0015356.
Neurofibromatosis, type 2 (SWNV). Also called: NF2-Related Schwannomatosis; SCHWANNOMATOSIS, VESTIBULAR; BILATERAL ACOUSTIC NEUROFIBROMATOSIS. Identifiers: Orphanet 637, MedGen C0027832, MONDO:0007039, OMIM 101000. Disease mechanism: loss of function.
NF2-related disorder. Also called: NF2-related condition.

Allele frequency attached by ClinVar (database versions not stated): TOPMed below 0.00001; ExAC 0.00001; gnomAD exomes 0.00001; gnomAD 0.00003.
gnomAD v4.1: 20 of 1,613,870 alleles (0.0012%); highest among the groups gnomAD compares: South Asian, 0.0011%; no homozygotes.

Submissions (6):

PreventionGenetics, part of Exact Sciences
Classification: Uncertain significance for NF2-related condition. Last evaluated: 2026-08-31. Review status: criteria provided, single submitter. Criteria: ACMG Guidelines, 2015. Collection method: clinical testing. Allele origin: germline.
Comment: The NF2 c.436G>A variant is predicted to result in the amino acid substitution p.Val146Ile. To our knowledge, this variant has not been reported in the literature. This variant is reported in 0.012% of alleles in individuals of European (Finnish) descent in gnomAD. At this time, the clinical significance of this variant is uncertain due to the absence of conclusive functional and genetic evidence.

Labcorp Genetics (formerly Invitae), Labcorp
Classification: Uncertain significance for Neurofibromatosis, type 2. Last evaluated: 2025-12-13. Review status: criteria provided, single submitter. Criteria: Invitae Variant Classification Sherloc (09022015). Collection method: clinical testing. Allele origin: germline.
Comment: This sequence change replaces valine, which is neutral and non-polar, with isoleucine, which is neutral and non-polar, at codon 146 of the NF2 protein (p.Val146Ile). This variant is present in population databases (rs771572024, gnomAD 0.01%). This variant has not been reported in the literature in individuals affected with NF2-related conditions. ClinVar contains an entry for this variant (Variation ID: 573553). Invitae Evidence Modeling of protein sequence and biophysical properties (such as structural, functional, and spatial information, amino acid conservation, physicochemical variation, residue mobility, and thermodynamic stability) indicates that this missense variant is not expected to disrupt NF2 protein function with a negative predictive value of 80%. In summary, the available evidence is currently insufficient to determine the role of this variant in disease. Therefore, it has been classified as a Variant of Uncertain Significance.

All of Us Research Program, National Institutes of Health
Classification: Uncertain significance for Neurofibromatosis, type 2. Last evaluated: 2024-05-13. Review status: criteria provided, single submitter. Criteria: ACMG Guidelines, 2015. Collection method: clinical testing. Allele origin: germline. Inheritance: Autosomal dominant inheritance. Observed: 2 variant alleles, 2 heterozygotes.
Comment: This missense variant replaces valine with isoleucine at codon 146 of the NF2 protein. Computational prediction suggests that this variant may not impact protein structure and function. To our knowledge, functional studies have not been reported for this variant. This variant has not been reported in individuals affected with NF2-related disorders in the literature. This variant has been identified in 3/282646 chromosomes in the general population by the Genome Aggregation Database (gnomAD). The available evidence is insufficient to determine the role of this variant in disease conclusively. Therefore, this variant is classified as a Variant of Uncertain Significance.

This study involves interpretation of variants in research participants for the purpose of population health screening. Participant phenotype was not available at the time of variant classification. Additional details can be found in publication PMID: 35346344, PMCID: PMC8962531

Blueprint Genetics
Classification: Uncertain significance. Last evaluated: 2022-10-24. Review status: criteria provided, single submitter. Criteria: ACMG Guidelines, 2015. Collection method: clinical testing. Allele origin: germline.

Genome-Nilou Lab
Classification: Uncertain significance for Neurofibromatosis, type 2. Last evaluated: 2021-11-07. Review status: criteria provided, single submitter. Criteria: ACMG Guidelines, 2015. Collection method: clinical testing. Allele origin: germline. Affected: no.

Ambry Genetics
Classification: Likely benign for Hereditary cancer-predisposing syndrome. Last evaluated: 2021-08-26. Review status: criteria provided, single submitter. Criteria: Ambry Variant Classification Scheme 2023. Collection method: clinical testing. Allele origin: germline.

NM_000268.4(NF2):c.436G>A (p.Val146Ile)

Gene: NF2 (NF2, moesin-ezrin-radixin like (MERLIN) tumor suppressor; plus strand). Cytogenetic location: 22q12.2.
Variant type: single nucleotide variant.
Coding change: c.436G>A on transcript NM_000268.4 (MANE Select); coding-DNA position 436, G replaced by A.
Protein change: p.Val146Ile; replaces valine 146 with isoleucine.
Molecular consequence: missense variant. On other transcripts: non-coding transcript variant (1).
Genome position (GRCh38, 1-based): chr22:29,642,274, G>A. VCF-style: chr22-29642274-G-A. GRCh37 (hg19) VCF-style: chr22-30038263-G-A.
Other names: c.436G>A, p.Val146Ile (NM_016418.5, NM_181825.3, NM_181832.3 and 1 more transcripts); c.310G>A, p.Val104Ile (NM_181828.3); c.313G>A, p.Val105Ile (NM_181829.3); c.187G>A, p.Val63Ile (NM_181830.3, NM_181831.3); c.436G>A (NM_181832.2); short protein forms V146I, V105I, V104I, V63I.
Identifiers: ClinVar variation 573553 (VCV000573553.18), dbSNP rs771572024, ClinGen allele CA033344.